The following is an entry in ClinVar:

ClinVar aggregate classification (germline): Uncertain significance (1 of 4 stars; one submission).

Conditions:
Charcot-Marie-Tooth disease type 2B (CMT2B). Also called: HEREDITARY MOTOR AND SENSORY NEUROPATHY IIB; CHARCOT-MARIE-TOOTH DISEASE, AXONAL, TYPE 2B; Charcot-Marie-Tooth Neuropathy Type 2B; CHARCOT-MARIE-TOOTH DISEASE, AUTOSOMAL DOMINANT, TYPE 2B. Identifiers: Orphanet 99936, MedGen C1833219, MONDO:0010949, OMIM 600882.

Allele frequency attached by ClinVar (database versions not stated): gnomAD 0.00001; gnomAD exomes 0.00001; TOPMed 0.00001.
gnomAD v4.1: 13 of 1,613,844 alleles (0.00081%); highest among the groups gnomAD compares: Non-Finnish European, 0.001%; no homozygotes.

Submission:

Labcorp Genetics (formerly Invitae), Labcorp
Classification: Uncertain significance for Charcot-Marie-Tooth disease type 2B. Last evaluated: 2023-05-13. Review status: criteria provided, single submitter. Criteria: Invitae Variant Classification Sherloc (09022015). Collection method: clinical testing. Allele origin: germline.
Comment: In summary, the available evidence is currently insufficient to determine the role of this variant in disease. Therefore, it has been classified as a Variant of Uncertain Significance. An algorithm developed to predict the effect of missense changes on protein structure and function (PolyPhen-2) suggests that this variant is likely to be tolerated. This variant has not been reported in the literature in individuals affected with RAB7A-related conditions. This variant is not present in population databases (gnomAD no frequency). This sequence change replaces asparagine, which is neutral and polar, with serine, which is neutral and polar, at codon 30 of the RAB7A protein (p.Asn30Ser).

NM_004637.6(RAB7A):c.89A>G (p.Asn30Ser)

Gene: RAB7A (RAB7A, member RAS oncogene family; plus strand). Cytogenetic location: 3q21.3.
Variant type: single nucleotide variant.
Coding change: c.89A>G on transcript NM_004637.6 (MANE Select); coding-DNA position 89, A replaced by G.
Protein change: p.Asn30Ser; replaces asparagine 30 with serine.
Molecular consequence: missense variant.
Genome position (GRCh38, 1-based): chr3:128,797,978, A>G. VCF-style: chr3-128797978-A-G. GRCh37 (hg19) VCF-style: chr3-128516821-A-G.
Other names: short protein forms N30S.
Identifiers: ClinVar variation 2957564 (VCV002957564.3), dbSNP rs201407628, ClinGen allele CA82627298.